The following is an entry in ClinVar:

ClinVar aggregate classification (germline): Likely benign (1 of 4 stars; one submission).

gnomAD v4.1: 10 of 1,612,566 alleles (0.00062%); highest among the groups gnomAD compares: Middle Eastern, 0.016%; no homozygotes.

Submission:

CeGaT Center for Human Genetics Tuebingen
Classification: Likely benign. Last evaluated: 2026-01-01. Review status: criteria provided, single submitter. Criteria: CeGaT Center For Human Genetics Tuebingen Variant Classification Criteria Version 2. Collection method: clinical testing. Allele origin: germline. Affected: yes. Observed: 1 variant allele.
Comment: PCSK1: BP4, BP7

NM_000439.5(PCSK1):c.1098G>A (p.Thr366=)

Genes: CAST (calpastatin; plus strand), PCSK1 (proprotein convertase subtilisin/kexin type 1; minus strand), LOC101929710 (uncharacterized LOC101929710; plus strand). Cytogenetic location: 5q15.
Variant type: single nucleotide variant.
Coding change: c.1098G>A on transcript NM_000439.5 (MANE Select); coding-DNA position 1098, G replaced by A.
Protein change: p.Thr366=; no amino-acid change (threonine 366 retained).
Molecular consequence: synonymous variant. On other transcripts: intron variant (11).
Genome position (GRCh38, 1-based): chr5:96,408,321, C>T on the plus strand (G>A on the coding strand, the complement: PCSK1 is on the minus strand). VCF-style: chr5-96408321-C-T. GRCh37 (hg19) VCF-style: chr5-95744025-C-T.
Other names: c.957G>A, p.Thr319= (NM_001177875.2); c.-175+28669C>T (NM_001423254.1, NM_001423259.1, NM_001423255.1 and 6 more transcripts); c.-103+28669C>T (NM_001423253.1); c.-40+28669C>T (NM_001423258.1).
Identifiers: ClinVar variation 4821373 (VCV004821373.4).